The following is an entry in ClinVar:

NM_002485.5(NBN):c.632A>C (p.Asp211Ala)

Gene: NBN (nibrin; minus strand). Cytogenetic location: 8q21.3.
Variant type: single nucleotide variant.
Coding change: c.632A>C on transcript NM_002485.5 (MANE Select); coding-DNA position 632, A replaced by C.
Protein change: p.Asp211Ala; replaces aspartic acid 211 with alanine.
Molecular consequence: missense variant.
Genome position (GRCh38, 1-based): chr8:89,971,243, T>G on the plus strand (A>C on the coding strand, the complement: NBN is on the minus strand). VCF-style: chr8-89971243-T-G. GRCh37 (hg19) VCF-style: chr8-90983471-T-G.
Other names: c.386A>C, p.Asp129Ala (NM_001024688.3, NM_001440379.1, NM_001440380.1); short protein forms D211A, D129A.
Identifiers: ClinVar variation 4660613 (VCV004660613.1).

ClinVar aggregate classification (germline): Uncertain significance (1 of 4 stars; one submission).

Conditions:
Hereditary cancer-predisposing syndrome. Also called: Neoplastic Syndromes, Hereditary; Tumor predisposition; Hereditary Cancer Syndrome; Hereditary neoplastic syndrome. Identifiers: Orphanet 140162, MedGen C0027672, MeSH D009386, MONDO:0015356.

Submission:

Ambry Genetics
Classification: Uncertain significance for Hereditary cancer-predisposing syndrome. Last evaluated: 2025-10-25. Review status: criteria provided, single submitter. Criteria: Ambry Variant Classification Scheme 2023. Collection method: clinical testing. Allele origin: germline.
Comment: The p.D211A variant (also known as c.632A>C), located in coding exon 6 of the NBN gene, results from an A to C substitution at nucleotide position 632. The aspartic acid at codon 211 is replaced by alanine, an amino acid with dissimilar properties. This amino acid position is conserved. In addition, this alteration is predicted to be deleterious by in silico analysis. Based on the available evidence, the clinical significance of this variant remains unclear.